The following is an entry in ClinVar:

ClinVar aggregate classification (germline): Uncertain significance (1 of 4 stars; one submission).

Conditions:
Primary ciliary dyskinesia 16. Also called: CILIARY DYSKINESIA, PRIMARY, 16, WITH OR WITHOUT SITUS INVERSUS. Identifiers: Orphanet 244, MedGen C3151460, MONDO:0013525, OMIM 614017.

Submission:

Labcorp Genetics (formerly Invitae), Labcorp
Classification: Uncertain significance for Primary ciliary dyskinesia 16. Last evaluated: 2016-11-08. Review status: criteria provided, single submitter. Criteria: Invitae Variant Classification Sherloc (09022015). Collection method: clinical testing. Allele origin: germline.
Comment: This variant is a gross deletion of the genomic region encompassing exons 5 of the DNAL1 gene. This creates a premature translational stop signal and is expected to result in an absent or disrupted protein product. This variant has not been reported in the literature in individuals with a DNAL1-related disease. The current clinical and genetic evidence is not sufficient to establish whether loss-of-function variants in DNAL1 cause disease. Therefore, this variant has been classified as a Variant of Uncertain Significance.

NC_000014.9:g.(?_73671542)_(73671597_?)del

Gene: DNAL1 (dynein axonemal light chain 1; plus strand). Cytogenetic location: 14q24.3.
Variant type: Deletion.
Identifiers: ClinVar variation 417385 (VCV000417385.1).